The following is an entry in ClinVar:

NM_004006.3(DMD):c.1564G>T (p.Gly522Ter)

Gene: DMD (dystrophin; minus strand). Cytogenetic location: Xp21.1.
Variant type: single nucleotide variant.
Coding change: c.1564G>T on transcript NM_004006.3 (MANE Select); coding-DNA position 1564, G replaced by T.
Protein change: p.Gly522Ter; replaces glycine 522 with a stop codon.
Molecular consequence: nonsense.
Genome position (GRCh38, 1-based): chrX:32,595,795, C>A on the plus strand (G>T on the coding strand, the complement: DMD is on the minus strand). VCF-style: chrX-32595795-C-A. GRCh37 (hg19) VCF-style: chrX-32613912-C-A.
Other names: c.1540G>T, p.Gly514Ter (NM_000109.4); c.1552G>T, p.Gly518Ter (NM_004009.3); c.1195G>T, p.Gly399Ter (NM_004010.3); short protein forms G399*, G514*, G518*, G522*.
Identifiers: ClinVar variation 2737175 (VCV002737175.3), dbSNP rs778171516, ClinGen allele CA412665401.

ClinVar aggregate classification (germline): Pathogenic (1 of 4 stars; one submission).

Conditions:
Duchenne muscular dystrophy (DMD). Also called: MUSCULAR DYSTROPHY, PSEUDOHYPERTROPHIC PROGRESSIVE, DUCHENNE TYPE; Duchenne Muscular Dystrophy (DMD). Identifiers: Orphanet 98896, MedGen C0013264, MONDO:0010679, OMIM 310200.

Submission:

Labcorp Genetics (formerly Invitae), Labcorp
Classification: Pathogenic for Duchenne muscular dystrophy. Last evaluated: 2023-02-18. Review status: criteria provided, single submitter. Criteria: Invitae Variant Classification Sherloc (09022015). Collection method: clinical testing. Allele origin: germline.
Comment: For these reasons, this variant has been classified as Pathogenic. ClinVar contains an entry for this variant (Variation ID: 1322344). This variant has not been reported in the literature in individuals affected with DMD-related conditions. This variant is not present in population databases (gnomAD no frequency). This sequence change creates a premature translational stop signal (p.Gly522*) in the DMD gene. It is expected to result in an absent or disrupted protein product. Loss-of-function variants in DMD are known to be pathogenic (PMID: 16770791, 25007885).

Literature cited by the submitters: PubMed 16770791; PubMed 25007885.